The following is an entry in ClinVar:

ClinVar aggregate classification (germline): Likely benign (0 of 4 stars; one submission).

Conditions:
TUBB2B-related disorder. Also called: TUBB2B-related condition.

gnomAD v4.1: 18 of 1,613,764 alleles (0.0011%); highest among the groups gnomAD compares: Non-Finnish European, 0.0015%; no homozygotes.

Submission:

PreventionGenetics, part of Exact Sciences
Classification: Likely benign for TUBB2B-related condition. Last evaluated: 2020-03-13. Review status: no assertion criteria provided. Collection method: clinical testing. Allele origin: germline.
Comment: This variant is classified as likely benign based on ACMG/AMP sequence variant interpretation guidelines (Richards et al. 2015 PMID: 25741868, with internal and published modifications).

NM_178012.5(TUBB2B):c.*8C>T

Gene: TUBB2B (tubulin beta 2B class IIb; minus strand). Cytogenetic location: 6p25.2.
Variant type: single nucleotide variant.
Coding change: c.*8C>T on transcript NM_178012.5 (MANE Select); 8 bases downstream of the stop codon, C replaced by T.
Molecular consequence: 3 prime UTR variant.
Genome position (GRCh38, 1-based): chr6:3,224,743, G>A on the plus strand (C>T on the coding strand, the complement: TUBB2B is on the minus strand). VCF-style: chr6-3224743-G-A. GRCh37 (hg19) VCF-style: chr6-3224977-G-A.
Identifiers: ClinVar variation 3046539 (VCV003046539.2), dbSNP rs780003494, ClinGen allele CA565356904.
Genomic context (GRCh38, chr6:3,224,743, plus strand): 5'-CGTCCCGGGAAGCCCCCCACCCCCTCGCTTTCCTCCTCCGCTTTCCCTAACCCGTCTCGC[G>A]GGGGCATCTACGCCTCGTCCTCGCCCTCCTCCTCCTCGAACTCCCCTTGTTCGTCGGCCG-3'